The following is an entry in ClinVar:

ClinVar aggregate classification (germline): Pathogenic (1 of 4 stars; one submission).

Conditions:
Landau-Kleffner syndrome (FESD). Also called: EPILEPSY, FOCAL, WITH SPEECH DISORDER AND WITH OR WITHOUT MENTAL RETARDATION; APHASIA, ACQUIRED, WITH EPILEPSY. Identifiers: Orphanet 1945, Orphanet 725, Orphanet 98818, MedGen C0282512, MONDO:0009509, OMIM 245570.

Submission:

Labcorp Genetics (formerly Invitae), Labcorp
Classification: Pathogenic for Landau-Kleffner syndrome. Last evaluated: 2022-08-05. Review status: criteria provided, single submitter. Criteria: Invitae Variant Classification Sherloc (09022015). Collection method: clinical testing. Allele origin: germline.
Comment: This sequence change creates a premature translational stop signal (p.Ser349Leufs*13) in the GRIN2A gene. It is expected to result in an absent or disrupted protein product. Loss-of-function variants in GRIN2A are known to be pathogenic (PMID: 23933819, 23933820). This variant is not present in population databases (gnomAD no frequency). This variant has not been reported in the literature in individuals affected with GRIN2A-related conditions. For these reasons, this variant has been classified as Pathogenic.

Literature cited by the submitters: PubMed 23933819; PubMed 23933820.

NM_001134407.3(GRIN2A):c.1045_1051del (p.Ser349fs)

Gene: GRIN2A (glutamate ionotropic receptor NMDA type subunit 2A; minus strand). Cytogenetic location: 16p13.2.
Variant type: Deletion.
Coding change: c.1045_1051del on transcript NM_001134407.3 (MANE Select); coding-DNA positions 1045 to 1051, 7 bases deleted (TCCTTCA; older notation c.1045_1051delTCCTTCA).
Protein change: p.Ser349fs; shifts the reading frame from serine 349.
Molecular consequence: frameshift variant.
Genome position (GRCh38, 1-based): chr16:9,891,057-9,891,063, TGAAGGA deleted on the plus strand (TCCTTCA on the coding strand, the reverse complement: GRIN2A is on the minus strand); deleting any 7 consecutive bases within chr16:9,891,057-9,891,064 gives the same sequence; the c. name uses the placement nearest the transcript's 3' end. VCF-style (leftmost placement, unchanged base first): chr16-9891056-GTGAAGGA-G. GRCh37 (hg19) VCF-style: chr16-9984913-GTGAAGGA-G.
Other names: c.1045_1051del, p.Ser349fs (NM_000833.5, NM_001134408.2); short protein forms S349fs.
Identifiers: ClinVar variation 2022016 (VCV002022016.4), dbSNP rs2542990029, ClinGen allele CA2580092100.